The following is an entry in ClinVar:

ClinVar aggregate classification (germline): Pathogenic. Review status: criteria provided, multiple submitters, no conflicts (2 of 4 stars). 2 submissions from 2 submitters: Pathogenic (2). Last evaluated 2024-08-16.

Conditions:
Arrhythmogenic right ventricular dysplasia 9 (ARVD9). Also called: Arrhythmogenic Right Ventricular Dysplasia/Cardiomyopathy 9; ARRHYTHMOGENIC RIGHT VENTRICULAR DYSPLASIA, FAMILIAL, 9. Identifiers: MedGen C1836906, MONDO:0012180, OMIM 609040.
Familial isolated arrhythmogenic right ventricular dysplasia. Identifiers: Orphanet 217656, MedGen C4274968, MONDO:0016342.

Submissions (2):

Labcorp Genetics (formerly Invitae), Labcorp
Classification: Pathogenic for Arrhythmogenic right ventricular dysplasia 9. Last evaluated: 2024-08-16. Review status: criteria provided, single submitter. Criteria: Invitae Variant Classification Sherloc (09022015). Collection method: clinical testing. Allele origin: germline.
Comment: This sequence change creates a premature translational stop signal (p.Gln726*) in the PKP2 gene. It is expected to result in an absent or disrupted protein product. Loss-of-function variants in PKP2 are known to be pathogenic (PMID: 15489853, 17041889, 23911551). This variant is not present in population databases (gnomAD no frequency). This premature translational stop signal has been observed in individuals with arrhythmogenic right ventricular cardiomyopathy (PMID: 15489853, 31386562). ClinVar contains an entry for this variant (Variation ID: 1321424). For these reasons, this variant has been classified as Pathogenic.

Women's Health and Genetics/Laboratory Corporation of America, LabCorp
Classification: Pathogenic for Familial isolated arrhythmogenic right ventricular dysplasia. Last evaluated: 2021-10-25. Review status: criteria provided, single submitter. Criteria: LabCorp Variant Classification Summary - May 2015. Collection method: clinical testing. Allele origin: germline.
Comment: Variant summary: PKP2 c.2176C>T (p.Gln726X) results in a premature termination codon, predicted to cause a truncation of the encoded protein or absence of the protein due to nonsense mediated decay, which are commonly known mechanisms for disease. Truncations downstream of this position have been classified as pathogenic by our laboratory. The variant was absent in 251336 control chromosomes (gnomAD). c.2176C>T has been reported in the literature in individuals affected with Arrhythmogenic Right Ventricular Dysplasia (example, Gerull_2004, Klauke_2010, Gaertner_2012, Zhou_2015, Kauferstein_2017, Lint_2019 and Marschall_2019). These data indicate that the variant is associated with disease. To our knowledge, no experimental evidence demonstrating an impact on protein function has been reported. No clinical diagnostic laboratories have submitted clinical-significance assessments for this variant to ClinVar after 2014. Based on the evidence outlined above, the variant was classified as pathogenic.

Literature cited by the submitters: PubMed 15489853 (cited by Labcorp Genetics (formerly Invitae), Labcorp and Women's Health and Genetics/Laboratory Corporation of America, LabCorp); PubMed 17041889 (cited by Labcorp Genetics (formerly Invitae), Labcorp); PubMed 23911551 (cited by Labcorp Genetics (formerly Invitae), Labcorp); PubMed 31386562 (cited by Labcorp Genetics (formerly Invitae), Labcorp and Women's Health and Genetics/Laboratory Corporation of America, LabCorp); PubMed 20829228 (cited by Women's Health and Genetics/Laboratory Corporation of America, LabCorp); PubMed 28472724 (cited by Women's Health and Genetics/Laboratory Corporation of America, LabCorp); PubMed 31737537 (cited by Women's Health and Genetics/Laboratory Corporation of America, LabCorp); PubMed 31402444 (cited by Women's Health and Genetics/Laboratory Corporation of America, LabCorp); PubMed 22085907 (cited by Women's Health and Genetics/Laboratory Corporation of America, LabCorp); PubMed 25765472 (cited by Women's Health and Genetics/Laboratory Corporation of America, LabCorp).

NM_001005242.3(PKP2):c.2044C>T (p.Gln682Ter)

Gene: PKP2 (plakophilin 2; minus strand). Cytogenetic location: 12p11.21.
Variant type: single nucleotide variant.
Coding change: c.2044C>T on transcript NM_001005242.3 (MANE Select); coding-DNA position 2044, C replaced by T.
Protein change: p.Gln682Ter; replaces glutamine 682 with a stop codon.
Molecular consequence: nonsense.
Genome position (GRCh38, 1-based): chr12:32,802,526, G>A on the plus strand (C>T on the coding strand, the complement: PKP2 is on the minus strand). VCF-style: chr12-32802526-G-A. GRCh37 (hg19) VCF-style: chr12-32955460-G-A.
Other names: c.2176C>T, p.Gln726Ter (NM_004572.4); short protein forms Q682*, Q726*.
Identifiers: ClinVar variation 1321424 (VCV001321424.7), dbSNP rs1325285497, ClinGen allele CA384360023.
Genomic context (GRCh38, chr12:32,802,526, plus strand): 5'-TCACACTTGGGTCACCAACATGCAGCATCTTTCGGGTGTGCTGCAGGCCACTTTCCTTCT[G>A]GACAACTGTCTGAGCCACTGATGTCGGCATCTGTTTTGTGAGACATATCCTATAAGTGCT-3'